The following is an entry in ClinVar:

ClinVar aggregate classification (germline): Uncertain significance (1 of 4 stars; one submission).

Allele frequency attached by ClinVar (database versions not stated): gnomAD 0.00001; gnomAD exomes 0.00001.

Submission:

Labcorp Genetics (formerly Invitae), Labcorp
Classification: Uncertain significance. Last evaluated: 2024-07-24. Review status: criteria provided, single submitter. Criteria: Invitae Variant Classification Sherloc (09022015). Collection method: clinical testing. Allele origin: germline.
Comment: This sequence change replaces threonine, which is neutral and polar, with isoleucine, which is neutral and non-polar, at codon 112 of the KLHL9 protein (p.Thr112Ile). This variant is not present in population databases (gnomAD no frequency). This variant has not been reported in the literature in individuals affected with KLHL9-related conditions. Advanced modeling of protein sequence and biophysical properties (such as structural, functional, and spatial information, amino acid conservation, physicochemical variation, residue mobility, and thermodynamic stability) performed at Invitae indicates that this missense variant is expected to disrupt KLHL9 protein function with a positive predictive value of 80%. In summary, the available evidence is currently insufficient to determine the role of this variant in disease. Therefore, it has been classified as a Variant of Uncertain Significance.

NM_018847.4(KLHL9):c.335C>T (p.Thr112Ile)

Gene: KLHL9 (kelch like family member 9; minus strand). Cytogenetic location: 9p21.3.
Variant type: single nucleotide variant.
Coding change: c.335C>T on transcript NM_018847.4 (MANE Select); coding-DNA position 335, C replaced by T.
Protein change: p.Thr112Ile; replaces threonine 112 with isoleucine.
Molecular consequence: missense variant.
Genome position (GRCh38, 1-based): chr9:21,334,525, G>A on the plus strand (C>T on the coding strand, the complement: KLHL9 is on the minus strand). VCF-style: chr9-21334525-G-A. GRCh37 (hg19) VCF-style: chr9-21334524-G-A.
Other names: short protein forms T112I.
Identifiers: ClinVar variation 2972263 (VCV002972263.3), dbSNP rs777866827, ClinGen allele CA190667435.